The following is an entry in ClinVar:

NM_001267550.2(TTN):c.51782del (p.Arg17261fs)

Genes: TTN (titin; minus strand), TTN-AS1 (TTN antisense RNA 1; plus strand). Cytogenetic location: 2q31.2.
Variant type: Deletion.
Coding change: c.51782del on transcript NM_001267550.2 (MANE Select); coding-DNA position 51782, one base deleted (G; older notation c.51782delG).
Protein change: p.Arg17261fs; shifts the reading frame from arginine 17261.
Molecular consequence: frameshift variant.
Genome position (GRCh38, 1-based): chr2:178,609,528, C deleted on the plus strand (G on the coding strand, the reverse complement: TTN is on the minus strand). VCF-style (leftmost placement, unchanged base first): chr2-178609527-TC-T. GRCh37 (hg19) VCF-style: chr2-179474254-TC-T.
Other names: c.46859del, p.Arg15620fs (NM_001256850.1); c.24587del, p.Arg8196fs (NM_003319.4); c.44078del, p.Arg14693fs (NM_133378.4); c.24962del, p.Arg8321fs (NM_133432.3); c.25163del, p.Arg8388fs (NM_133437.4); short protein forms R14693fs, R8388fs, R8196fs, R8321fs, R15620fs, R17261fs.
Identifiers: ClinVar variation 1346846 (VCV001346846.6), dbSNP rs2154198520, ClinGen allele CA2573133758.

ClinVar aggregate classification (germline): Likely pathogenic (1 of 4 stars; one submission).

Conditions:
Dilated cardiomyopathy 1G (CMD1G). Identifiers: Orphanet 154, MedGen C1858763, MONDO:0011400, OMIM 604145.
Autosomal recessive limb-girdle muscular dystrophy type 2J (LGMDR10). Also called: Limb-girdle muscular dystrophy, type 2J; MUSCULAR DYSTROPHY, LIMB-GIRDLE, AUTOSOMAL RECESSIVE 10. Identifiers: Orphanet 140922, MedGen C1837342, MONDO:0012127, OMIM 608807.

Submission:

Labcorp Genetics (formerly Invitae), Labcorp
Classification: Likely pathogenic for Dilated cardiomyopathy 1G; Autosomal recessive limb-girdle muscular dystrophy type 2J. Last evaluated: 2021-08-15. Review status: criteria provided, single submitter. Criteria: Invitae Variant Classification Sherloc (09022015). Collection method: clinical testing. Allele origin: germline.
Comment: In summary, the currently available evidence indicates that the variant is pathogenic, but additional data are needed to prove that conclusively. Therefore, this variant has been classified as Likely Pathogenic. This variant is located in the A band of TTN (PMID: 25589632). Truncating variants in this region are significantly overrepresented in patients affected with dilated cardiomyopathy (PMID: 25589632). Truncating variants in this region have also been reported in individuals affected with autosomal recessive centronuclear myopathy (PMID: 23975875). This variant has not been reported in the literature in individuals affected with TTN-related conditions. This variant is not present in population databases (ExAC no frequency). This sequence change creates a premature translational stop signal (p.Arg17261Glnfs*5) in the TTN gene. While this is not anticipated to result in nonsense mediated decay, it is expected to create a truncated TTN protein.

Literature cited by the submitters: PubMed 25589632; PubMed 23975875.